The following is an entry in ClinVar:

NM_004960.4(FUS):c.236G>A (p.Gly79Asp)

Gene: FUS (FUS RNA binding protein; plus strand). Cytogenetic location: 16p11.2.
Variant type: single nucleotide variant.
Coding change: c.236G>A on transcript NM_004960.4 (MANE Select); coding-DNA position 236, G replaced by A.
Protein change: p.Gly79Asp; replaces glycine 79 with aspartic acid.
Molecular consequence: missense variant. On other transcripts: non-coding transcript variant (1).
Genome position (GRCh38, 1-based): chr16:31,183,903, G>A. VCF-style: chr16-31183903-G-A. GRCh37 (hg19) VCF-style: chr16-31195224-G-A.
Other names: c.233G>A, p.Gly78Asp (NM_001170634.1); c.236G>A, p.Gly79Asp (NM_001170937.1); short protein forms G78D, G79D.
Identifiers: ClinVar variation 1790273 (VCV001790273.2), dbSNP rs2544251885, ClinGen allele CA395666598.

ClinVar aggregate classification (germline): Uncertain significance (1 of 4 stars; one submission).

Conditions:
Inborn genetic diseases. Identifiers: MedGen C0950123, MeSH D030342.

Submission:

Ambry Genetics
Classification: Uncertain significance for Inborn genetic diseases. Last evaluated: 2022-02-28. Review status: criteria provided, single submitter. Criteria: Ambry Variant Classification Scheme 2023. Collection method: clinical testing. Allele origin: germline.
Comment: The p.G79D variant (also known as c.236G>A), located in coding exon 4 of the FUS gene, results from a G to A substitution at nucleotide position 236. The glycine at codon 79 is replaced by aspartic acid, an amino acid with similar properties. This amino acid position is conserved. In addition, the in silico prediction for this alteration is inconclusive. Since supporting evidence is limited at this time, the clinical significance of this alteration remains unclear.